The following is an entry in ClinVar:

NM_002133.3(HMOX1):c.273G>C (p.Gln91His)

Gene: HMOX1 (heme oxygenase 1; plus strand). Cytogenetic location: 22q12.3.
Variant type: single nucleotide variant.
Coding change: c.273G>C on transcript NM_002133.3 (MANE Select); coding-DNA position 273, G replaced by C.
Protein change: p.Gln91His; replaces glutamine 91 with histidine.
Molecular consequence: missense variant.
Genome position (GRCh38, 1-based): chr22:35,386,813, G>C. VCF-style: chr22-35386813-G-C. GRCh37 (hg19) VCF-style: chr22-35782806-G-C.
Other names: short protein forms Q91H.
Identifiers: ClinVar variation 5008346 (VCV005008346.1).

ClinVar aggregate classification (germline): Uncertain significance (1 of 4 stars; one submission).

Submission:

GeneDx
Classification: Uncertain significance. Last evaluated: 2026-03-01. Review status: criteria provided, single submitter. Criteria: GeneDx Variant Classification Process June 2021. Collection method: clinical testing. Allele origin: germline.
Comment: Not observed at significant frequency in large population cohorts (gnomAD); In silico analysis supports that this missense variant has a deleterious effect on protein structure/function; Has not been previously published as pathogenic or benign to our knowledge